The following is an entry in ClinVar:

NM_001048174.2(MUTYH):c.1194T>C (p.Arg398=)

Gene: MUTYH (mutY DNA glycosylase; minus strand). Cytogenetic location: 1p34.1.
Variant type: single nucleotide variant.
Coding change: c.1194T>C on transcript NM_001048174.2 (MANE Select); coding-DNA position 1194, T replaced by C.
Protein change: p.Arg398=; no amino-acid change (arginine 398 retained).
Molecular consequence: synonymous variant. On other transcripts: non-coding transcript variant (2).
Genome position (GRCh38, 1-based): chr1:45,331,465, A>G on the plus strand (T>C on the coding strand, the complement: MUTYH is on the minus strand). VCF-style: chr1-45331465-A-G. GRCh37 (hg19) VCF-style: chr1-45797137-A-G.
Other names: c.1194T>C, p.Arg398= (NM_001048171.2, NM_001048173.2, NM_001293195.2); c.1197T>C, p.Arg399= (NM_001048172.2); c.1278T>C, p.Arg426= (NM_001128425.2); c.1239T>C, p.Arg413= (NM_001293190.2); c.1227T>C, p.Arg409= (NM_001293191.2); c.918T>C, p.Arg306= (NM_001293192.2, NM_001293196.2); c.849T>C, p.Arg283= (NM_001350650.2, NM_001350651.2); c.1269T>C, p.Arg423= (NM_012222.3).
Identifiers: ClinVar variation 753788 (VCV000753788.41), dbSNP rs777361121, ClinGen allele CA055824.
Genomic context (GRCh38, chr1:45,331,465, plus strand): 5'-CCGCTGCTCACTTACCTCCCCAAGGTGCCGGAGGTGCGTGGCTGGGAGGGGCCCAGCCCA[A>G]CGCTGTAGTTCCTGCAGCAGGGCCTTGCGCTGAAGCTGCTCTGAGGGCTCCCAGGTCACG-3'
Protein context (NP_001041639.1, residues 388-408): QRKALLQELQ[Arg398=]WAGPLPATHL

ClinVar aggregate classification (germline): Likely benign. Review status: criteria provided, multiple submitters, no conflicts (2 of 4 stars). 4 submissions from 4 submitters: Likely benign (4). Last evaluated 2026-06-01.

Conditions:
Hereditary cancer-predisposing syndrome. Also called: Hereditary Cancer Syndrome; Tumor predisposition; Hereditary neoplastic syndrome; Neoplastic Syndromes, Hereditary. Identifiers: Orphanet 140162, MedGen C0027672, MeSH D009386, MONDO:0015356.
Familial adenomatous polyposis 2. Also called: MYH-associated polyposis; Adenomas, multiple colorectal; MUTYH-related attenuated familial adenomatous polyposis; COLORECTAL ADENOMATOUS POLYPOSIS, AUTOSOMAL RECESSIVE; ADENOMAS, MULTIPLE COLORECTAL, AUTOSOMAL RECESSIVE; MUTYH Polyposis. Identifiers: Orphanet 220460, Orphanet 247798, MedGen C3272841, MONDO:0012041, OMIM 608456.

Allele frequency attached by ClinVar (database versions not stated): ExAC 0.00001; gnomAD exomes 0.00001.
gnomAD v4.1: 4 of 1,614,242 alleles (0.00025%); highest among the groups gnomAD compares: East Asian, 0.0022%; no homozygotes.

Submissions (4):

CeGaT Center for Human Genetics Tuebingen
Classification: Likely benign. Last evaluated: 2026-06-01. Review status: criteria provided, single submitter. Criteria: CeGaT Center For Human Genetics Tuebingen Variant Classification Criteria Version 2. Collection method: clinical testing. Allele origin: germline. Affected: yes. Observed: 2 variant alleles.
Comment: MUTYH: BP4, BP7

Labcorp Genetics (formerly Invitae), Labcorp
Classification: Likely benign for Familial adenomatous polyposis 2. Last evaluated: 2025-09-02. Review status: criteria provided, single submitter. Criteria: Invitae Variant Classification Sherloc (09022015). Collection method: clinical testing. Allele origin: germline.

Ambry Genetics
Classification: Likely benign for Hereditary cancer-predisposing syndrome. Last evaluated: 2019-12-22. Review status: criteria provided, single submitter. Criteria: Ambry Variant Classification Scheme 2023. Collection method: clinical testing. Allele origin: germline.

Color Diagnostics, LLC DBA Color Health
Classification: Likely benign for Hereditary cancer-predisposing syndrome. Last evaluated: 2018-11-01. Review status: criteria provided, single submitter. Criteria: ACMG Guidelines, 2015. Collection method: clinical testing. Allele origin: germline.